The following is an entry in ClinVar:

NM_033305.3(VPS13A):c.6274_6276delinsCTGTCTCTTATACACATCT (p.Ser2092fs)

Gene: VPS13A (vacuolar protein sorting 13 homolog A; plus strand). Cytogenetic location: 9q21.2.
Variant type: Indel.
Coding change: c.6274_6276delinsCTGTCTCTTATACACATCT on transcript NM_033305.3 (MANE Select); coding-DNA positions 6274 to 6276, TCA replaced by CTGTCTCTTATACACATCT.
Protein change: p.Ser2092fs; shifts the reading frame from serine 2092.
Molecular consequence: frameshift variant.
Genome position (GRCh38, 1-based): chr9:77,337,433-77,337,435, TCA replaced by CTGTCTCTTATACACATCT. VCF-style: chr9-77337433-TCA-CTGTCTCTTATACACATCT. GRCh37 (hg19) VCF-style: chr9-79952349-TCA-CTGTCTCTTATACACATCT.
Other names: c.6157_6159delinsCTGTCTCTTATACACATCT, p.Ser2053fs (NM_001018037.2); c.6274_6276delinsCTGTCTCTTATACACATCT, p.Ser2092fs (NM_001018038.3, NM_015186.4); short protein forms S2053fs, S2092fs.
Identifiers: ClinVar variation 5010847 (VCV005010847.1).

ClinVar aggregate classification (germline): Pathogenic (1 of 4 stars; one submission).

Conditions:
VPS13A-related neurodegenerative disease. Also called: ACANTHOCYTOSIS WITH NEUROLOGIC DISORDER; LEVINE-CRITCHLEY SYNDROME; Choreoacanthocytosis; Chorea-acanthocytosis; Choreaacanthocytosis; VPS13A Disease. Identifiers: Orphanet 2388, MedGen C0393576, MONDO:0008695, OMIM 200150.

Submission:

Myriad Genetics, Inc.
Classification: Pathogenic for VPS13A-related neurodegenerative disease. Last evaluated: 2024-05-14. Review status: criteria provided, single submitter. Criteria: Myriad Autosomal Dominant, Autosomal Recessive and X-Linked Classification Criteria (2023). Collection method: clinical testing. Allele origin: unknown.
Comment: NM_033305.2(VPS13A):c.6274_6276del3ins19(S2092Lfs*43) is expected to be pathogenic in the context of VPS13A disease. This variant is predicted to lead to an abnormal or absent protein product due to the creation of a premature termination codon in VPS13A, a gene where loss-of-function variants are known to be pathogenic. Please note: this variant was assessed in the context of healthy population screening.